The following is an entry in ClinVar:

NM_013266.4(CTNNA3):c.1570G>T (p.Ala524Ser)

Gene: CTNNA3 (catenin alpha 3; minus strand). Cytogenetic location: 10q21.3.
Variant type: single nucleotide variant.
Coding change: c.1570G>T on transcript NM_013266.4 (MANE Select); coding-DNA position 1570, G replaced by T.
Protein change: p.Ala524Ser; replaces alanine 524 with serine.
Molecular consequence: missense variant.
Genome position (GRCh38, 1-based): chr10:66,379,314, C>A on the plus strand (G>T on the coding strand, the complement: CTNNA3 is on the minus strand). VCF-style: chr10-66379314-C-A. GRCh37 (hg19) VCF-style: chr10-68139072-C-A.
Other names: c.1570G>T, p.Ala524Ser (NM_001127384.3); short protein forms A524S.
Identifiers: ClinVar variation 3498289 (VCV003498289.3).

ClinVar aggregate classification (germline): Uncertain significance. Review status: criteria provided, multiple submitters, no conflicts (2 of 4 stars). 2 submissions from 2 submitters: Uncertain significance (2). Last evaluated 2025-03-12.

Conditions:
Arrhythmogenic right ventricular dysplasia 13. Also called: ARRHYTHMOGENIC RIGHT VENTRICULAR CARDIOMYOPATHY 13; Arrhythmogenic right ventricular dysplasia, familial, 13. Identifiers: MedGen C3810138, MONDO:0000908, OMIM 615616.

gnomAD v4.1: 8 of 1,613,974 alleles (0.0005%); highest among the groups gnomAD compares: Non-Finnish European, 0.00068%; no homozygotes.

Submissions (2):

Labcorp Genetics (formerly Invitae), Labcorp
Classification: Uncertain significance for Arrhythmogenic right ventricular dysplasia 13. Last evaluated: 2025-03-12. Review status: criteria provided, single submitter. Criteria: Invitae Variant Classification Sherloc (09022015). Collection method: clinical testing. Allele origin: germline.
Comment: This sequence change replaces alanine, which is neutral and non-polar, with serine, which is neutral and polar, at codon 524 of the CTNNA3 protein (p.Ala524Ser). This variant is present in population databases (rs754275515, gnomAD 0.0009%). This variant has not been reported in the literature in individuals affected with CTNNA3-related conditions. ClinVar contains an entry for this variant (Variation ID: 3498289). Invitae Evidence Modeling of protein sequence and biophysical properties (such as structural, functional, and spatial information, amino acid conservation, physicochemical variation, residue mobility, and thermodynamic stability) indicates that this missense variant is not expected to disrupt CTNNA3 protein function with a negative predictive value of 80%. In summary, the available evidence is currently insufficient to determine the role of this variant in disease. Therefore, it has been classified as a Variant of Uncertain Significance.

Ambry Genetics
Classification: Uncertain significance. Last evaluated: 2024-09-08. Review status: criteria provided, single submitter. Criteria: Ambry Variant Classification Scheme 2023. Collection method: clinical testing. Allele origin: germline.
Comment: The p.A524S variant (also known as c.1570G>T), located in coding exon 11 of the CTNNA3 gene, results from a G to T substitution at nucleotide position 1570. The alanine at codon 524 is replaced by serine, an amino acid with similar properties. This amino acid position is conserved. In addition, the in silico prediction for this alteration is inconclusive. Based on the available evidence, the clinical significance of this variant remains unclear.